The following is an entry in ClinVar:

NM_001042492.3(NF1):c.4110+15dup

Gene: NF1 (neurofibromin 1; plus strand). Cytogenetic location: 17q11.2.
Variant type: Duplication.
Coding change: c.4110+15dup on transcript NM_001042492.3 (MANE Select); 15 bases into the intron after coding-DNA position 4110, one base duplicated (A; older notation c.4110+15dupA).
Molecular consequence: intron variant.
Genome position (GRCh38, 1-based): chr17:31,249,134, A duplicated. VCF-style (leftmost placement, unchanged base first): chr17-31249133-T-TA. GRCh37 (hg19) VCF-style: chr17-29576151-T-TA.
Other names: c.4110+15dupA (NM_000267.3); c.4110+15dup (NM_000267.4).
Identifiers: ClinVar variation 422628 (VCV000422628.8), dbSNP rs763846160, ClinGen allele CA8486328.

ClinVar aggregate classification (germline): Likely benign. Review status: criteria provided, multiple submitters, no conflicts (2 of 4 stars). 3 submissions from 3 submitters: Likely benign (3). Last evaluated 2026-01-02.

Conditions:
Neurofibromatosis, type 1 (NF1). Also called: Neurofibromatosis, type I; VON RECKLINGHAUSEN DISEASE; NEUROFIBROMATOSIS, TYPE I, SOMATIC; Peripheral type neurofibromatosis. Identifiers: Orphanet 636, MedGen C0027831, MONDO:0018975, OMIM 162200. Disease mechanism: loss of function.

Allele frequency attached by ClinVar (database versions not stated): gnomAD exomes below 0.00001; ExAC 0.00001; gnomAD 0.00001; TOPMed 0.00001.

Submissions (3):

Labcorp Genetics (formerly Invitae), Labcorp
Classification: Likely benign for Neurofibromatosis, type 1. Last evaluated: 2026-01-02. Review status: criteria provided, single submitter. Criteria: Invitae Variant Classification Sherloc (09022015). Collection method: clinical testing. Allele origin: germline.

Genome-Nilou Lab
Classification: Likely benign for Neurofibromatosis, type 1. Last evaluated: 2022-03-15. Review status: criteria provided, single submitter. Criteria: ACMG Guidelines, 2015. Collection method: clinical testing. Allele origin: germline. Affected: no.

GeneDx
Classification: Likely benign. Last evaluated: 2016-10-27. Review status: criteria provided, single submitter. Criteria: GeneDx Variant Classification (06012015). Collection method: clinical testing. Allele origin: germline. Affected: yes.
Comment: This variant is considered likely benign or benign based on one or more of the following criteria: it is a conservative change, it occurs at a poorly conserved position in the protein, it is predicted to be benign by multiple in silico algorithms, and/or has population frequency not consistent with disease.